The following is an entry in ClinVar:

NM_004586.3(RPS6KA3):c.1466T>C (p.Val489Ala)

Gene: RPS6KA3 (ribosomal protein S6 kinase A3; minus strand). Cytogenetic location: Xp22.12.
Variant type: single nucleotide variant.
Coding change: c.1466T>C on transcript NM_004586.3 (MANE Select); coding-DNA position 1466, T replaced by C.
Protein change: p.Val489Ala; replaces valine 489 with alanine.
Molecular consequence: missense variant.
Genome position (GRCh38, 1-based): chrX:20,167,725, A>G on the plus strand (T>C on the coding strand, the complement: RPS6KA3 is on the minus strand). VCF-style: chrX-20167725-A-G. GRCh37 (hg19) VCF-style: chrX-20185843-A-G.
Other names: c.1382T>C, p.Val461Ala (NM_001438340.1); short protein forms V461A, V489A.
Identifiers: ClinVar variation 5001413 (VCV005001413.1).

ClinVar aggregate classification (germline): Uncertain significance (1 of 4 stars; one submission).

Conditions:
RPS6KA3-related disorder. Also called: RPS6KA3-related condition.

Submission:

PreventionGenetics, part of Exact Sciences
Classification: Uncertain significance for RPS6KA3-related condition. Last evaluated: 2025-02-13. Review status: criteria provided, single submitter. Criteria: ACMG Guidelines, 2015. Collection method: clinical testing. Allele origin: germline.
Comment: The RPS6KA3 c.1466T>C variant is predicted to result in the amino acid substitution p.Val489Ala. To our knowledge, this variant has not been reported in the literature or in a large population database (gnomAD), indicating this variant is rare. At this time, the clinical significance of this variant is uncertain due to the absence of conclusive functional and genetic evidence.